The following is an entry in ClinVar:

NM_002850.4(PTPRS):c.3072C>T (p.Pro1024=)

Gene: PTPRS (protein tyrosine phosphatase receptor type S; minus strand). Cytogenetic location: 19p13.3.
Variant type: single nucleotide variant.
Coding change: c.3072C>T on transcript NM_002850.4 (MANE Select); coding-DNA position 3072, C replaced by T.
Protein change: p.Pro1024=; no amino-acid change (proline 1024 retained).
Molecular consequence: synonymous variant. On other transcripts: intron variant (2).
Genome position (GRCh38, 1-based): chr19:5,222,720, G>A on the plus strand (C>T on the coding strand, the complement: PTPRS is on the minus strand). VCF-style: chr19-5222720-G-A. GRCh37 (hg19) VCF-style: chr19-5222731-G-A.
Other names: c.3006C>T, p.Pro1002= (NM_001394011.1, NM_001394013.1, NM_130854.3); c.3033C>T, p.Pro1011= (NM_001394012.1); c.1811-500C>T (NM_130853.3); c.1823-500C>T (NM_130855.3).
Identifiers: ClinVar variation 3040729 (VCV003040729.2), dbSNP rs550094738, ClinGen allele CA9109738.

ClinVar aggregate classification (germline): Likely benign (0 of 4 stars; one submission).

Conditions:
PTPRS-related disorder. Also called: PTPRS-related condition.

Allele frequency attached by ClinVar (database versions not stated): 1000 Genomes Project 30x 0.00016; 1000 Genomes Project 0.00020.
gnomAD v4.1: 164 of 1,594,238 alleles (0.01%); highest among the groups gnomAD compares: African/African-American, 0.082%; no homozygotes.

Submission:

PreventionGenetics, part of Exact Sciences
Classification: Likely benign for PTPRS-related condition. Last evaluated: 2019-09-17. Review status: no assertion criteria provided. Collection method: clinical testing. Allele origin: germline.
Comment: This variant is classified as likely benign based on ACMG/AMP sequence variant interpretation guidelines (Richards et al. 2015 PMID: 25741868, with internal and published modifications).